The following is an entry in ClinVar:

ClinVar aggregate classification (germline): Uncertain significance (1 of 4 stars; one submission).

Conditions:
Immunodeficiency 31B. Also called: STAT1 DEFICIENCY, AUTOSOMAL RECESSIVE; IMMUNODEFICIENCY 31B, MYCOBACTERIAL AND VIRAL INFECTIONS, AUTOSOMAL RECESSIVE. Identifiers: Orphanet 391311, MedGen C3151088, MONDO:0013427, OMIM 613796.

Submission:

Centre for Mendelian Genomics, University Medical Centre Ljubljana
Classification: Uncertain significance for Immunodeficiency 31B. Last evaluated: 2018-12-11. Review status: criteria provided, single submitter. Criteria: ACMG Guidelines, 2015. Collection method: clinical testing. Allele origin: unknown. Affected: yes.
Comment: This variant was classified as: Uncertain significance. The available evidence favors the pathogenic nature of this variant, however the currently available data is insufficient to conclusively support its pathogenic nature. Thus this variant is classified as Uncertain significance - favor pathogenic. The following ACMG criteria were applied in classifying this variant: PM2,PP2,PP3.

NM_007315.4(STAT1):c.1280C>A (p.Thr427Asn)

Gene: STAT1 (signal transducer and activator of transcription 1; minus strand). Cytogenetic location: 2q32.2.
Variant type: single nucleotide variant.
Coding change: c.1280C>A on transcript NM_007315.4 (MANE Select); coding-DNA position 1280, C replaced by A.
Protein change: p.Thr427Asn; replaces threonine 427 with asparagine.
Molecular consequence: missense variant.
Genome position (GRCh38, 1-based): chr2:190,984,377, G>T on the plus strand (C>A on the coding strand, the complement: STAT1 is on the minus strand). VCF-style: chr2-190984377-G-T. GRCh37 (hg19) VCF-style: chr2-191849103-G-T.
Other names: c.1220C>A, p.Thr407Asn (NM_001384880.1); c.1286C>A, p.Thr429Asn (NM_001384881.1, NM_001384884.1); c.1274C>A, p.Thr425Asn (NM_001384882.1); c.1181C>A, p.Thr394Asn (NM_001384883.1); c.1121C>A, p.Thr374Asn (NM_001384885.1); c.1280C>A, p.Thr427Asn (NM_001384886.1, NM_001384889.1, NM_139266.3); c.1187C>A, p.Thr396Asn (NM_001384887.1); c.1250C>A, p.Thr417Asn (NM_001384888.1); and 2 more; short protein forms T427N, T374N, T394N, T396N, T397N, T407N, T417N, T425N.
Identifiers: ClinVar variation 931356 (VCV000931356.3), dbSNP rs1692621311, ClinGen allele CA349918003.
Genomic context (GRCh38, chr2:190,984,377, plus strand): 5'-TCAATTACCAAACCAGGCTGGCACAATTGGGTTTCAAAACTAAGGGAGTGAAGCTCTTCA[G>T]TAACGATGAGAGGACCCTTGGAAGAGAAAAGGAAAGAAGAAAAGAATATAATTATTCACA-3'
Protein context (NP_009330.1, residues 417-437): TRTNEGPLIV[Thr427Asn]EELHSLSFET